The following is an entry in ClinVar:

NM_006206.6(PDGFRA):c.1018C>A (p.Arg340=)

Gene: PDGFRA (platelet derived growth factor receptor alpha; plus strand). Cytogenetic location: 4q12.
Variant type: single nucleotide variant.
Coding change: c.1018C>A on transcript NM_006206.6 (MANE Select); coding-DNA position 1018, C replaced by A.
Protein change: p.Arg340=; no amino-acid change (arginine 340 retained).
Molecular consequence: synonymous variant.
Genome position (GRCh38, 1-based): chr4:54,267,638, C>A. VCF-style: chr4-54267638-C-A. GRCh37 (hg19) VCF-style: chr4-55133805-C-A.
Other names: c.1018C>A, p.Arg340= (NM_001347827.2, NM_001347829.2); c.1093C>A, p.Arg365= (NM_001347828.2); c.1057C>A, p.Arg353= (NM_001347830.2).
Identifiers: ClinVar variation 407401 (VCV000407401.13), dbSNP rs376626935, ClinGen allele CA16611638.
Genomic context (GRCh38, chr4:54,267,638, plus strand): 5'-ACCTTCAGCCAGTTGGAAGCTGTCAACCTGCATGAAGTCAAACATTTTGTTGTAGAGGTG[C>A]GGGCCTACCCACCTCCCAGGATATCCTGGCTGAAAAACAATCTGACTCTGATTGAAAATC-3'
Protein context (NP_006197.1, residues 330-350): HEVKHFVVEV[Arg340=]AYPPPRISWL

ClinVar aggregate classification (germline): Conflicting classifications of pathogenicity. Review status: criteria provided, conflicting classifications (1 of 4 stars). 2 submissions from 2 submitters: Uncertain significance (1); Likely benign (1). Last evaluated 2025-10-26.

Conditions:
Hereditary cancer-predisposing syndrome. Also called: Neoplastic Syndromes, Hereditary; Hereditary Cancer Syndrome; Hereditary neoplastic syndrome; Tumor predisposition. Identifiers: Orphanet 140162, MedGen C0027672, MeSH D009386, MONDO:0015356.
Gastrointestinal stromal tumor. Also called: Gastrointestinal stromal tumor, somatic; Gastrointestinal stroma tumor. Identifiers: Orphanet 44890, MedGen C0238198, MeSH D046152, MONDO:0011719, OMIM 606764, HP:0100723.

gnomAD v4.1: 17 of 1,613,564 alleles (0.0011%); highest among the groups gnomAD compares: Non-Finnish European, 0.0013%; no homozygotes.

Submissions (2):

Labcorp Genetics (formerly Invitae), Labcorp
Classification: Likely benign for Gastrointestinal stromal tumor. Last evaluated: 2025-10-26. Review status: criteria provided, single submitter. Criteria: Invitae Variant Classification Sherloc (09022015). Collection method: clinical testing. Allele origin: germline.

Ambry Genetics
Classification: Uncertain significance for Hereditary cancer-predisposing syndrome. Last evaluated: 2025-06-19. Review status: criteria provided, single submitter. Criteria: Ambry Variant Classification Scheme 2023. Collection method: clinical testing. Allele origin: germline.
Comment: The c.1018C>A variant (also known as p.R340R), located in coding exon 6 of the PDGFRA gene, results from a C to A substitution at nucleotide position 1018. This nucleotide substitution does not change the amino acid at codon 340. This nucleotide position is not well conserved in available vertebrate species. In silico splice site analysis for this alteration is inconclusive. Based on the available evidence, the clinical significance of this variant remains unclear.